The following is an entry in ClinVar:

NM_001366521.1(ATP2B1):c.23C>T (p.Ser8Leu)

Gene: ATP2B1 (ATPase plasma membrane Ca2+ transporting 1; minus strand). Cytogenetic location: 12q21.33.
Variant type: single nucleotide variant.
Coding change: c.23C>T on transcript NM_001366521.1 (MANE Select); coding-DNA position 23, C replaced by T.
Protein change: p.Ser8Leu; replaces serine 8 with leucine.
Molecular consequence: missense variant. On other transcripts: non-coding transcript variant (3).
Genome position (GRCh38, 1-based): chr12:89,655,864, G>A on the plus strand (C>T on the coding strand, the complement: ATP2B1 is on the minus strand). VCF-style: chr12-89655864-G-A. GRCh37 (hg19) VCF-style: chr12-90049641-G-A.
Other names: c.23C>T, p.Ser8Leu (NM_001001323.2, NM_001366520.1, NM_001366522.1 and 26 more transcripts); short protein forms S8L.
Identifiers: ClinVar variation 4685201 (VCV004685201.1).

ClinVar aggregate classification (germline): Uncertain significance (1 of 4 stars; one submission).

Submission:

GeneDx
Classification: Uncertain significance. Last evaluated: 2025-07-07. Review status: criteria provided, single submitter. Criteria: GeneDx Variant Classification Process June 2021. Collection method: clinical testing. Allele origin: germline. Affected: yes.
Comment: Not observed at significant frequency in large population cohorts (gnomAD); In silico analysis supports that this missense variant has a deleterious effect on protein structure/function; Has not been previously published as pathogenic or benign to our knowledge